The following is an entry in ClinVar:

ClinVar aggregate classification (germline): Uncertain significance (1 of 4 stars; one submission).

Submission:

Labcorp Genetics (formerly Invitae), Labcorp
Classification: Uncertain significance. Last evaluated: 2022-06-22. Review status: criteria provided, single submitter. Criteria: Invitae Variant Classification Sherloc (09022015). Collection method: clinical testing. Allele origin: germline.
Comment: A copy number gain of the genomic region encompassing the full coding sequence of the AGPS gene has been identified. The boundaries of this event are unknown as they extend beyond the assayed region for this gene and therefore may encompass additional genes. As the precise location of this event is unknown, it may be in tandem or it may be located elsewhere in the genome. This variant has not been reported in the literature in individuals affected with AGPS-related conditions. In summary, the available evidence is currently insufficient to determine the role of this variant in disease. Therefore, it has been classified as a Variant of Uncertain Significance.

NC_000002.11:g.(?_178095513)_(178705130_?)dup

Genes: AGPS (alkylglycerone phosphate synthase; plus strand), IFT70A (intraflagellar transport 70A; minus strand), IFT70B (intraflagellar transport 70B; minus strand), NFE2L2 (NFE2 like bZIP transcription factor 2; minus strand), PDE11A (phosphodiesterase 11A; minus strand). Cytogenetic location: 2q31.2.
Variant type: Duplication.
Identifiers: ClinVar variation 2424717 (VCV002424717.3).